The following is an entry in ClinVar:

NM_004304.5(ALK):c.2841C>G (p.Asp947Glu)

Gene: ALK (ALK receptor tyrosine kinase; minus strand). Cytogenetic location: 2p23.2.
Variant type: single nucleotide variant.
Coding change: c.2841C>G on transcript NM_004304.5 (MANE Select); coding-DNA position 2841, C replaced by G.
Protein change: p.Asp947Glu; replaces aspartic acid 947 with glutamic acid.
Molecular consequence: missense variant.
Genome position (GRCh38, 1-based): chr2:29,227,647, G>C on the plus strand (C>G on the coding strand, the complement: ALK is on the minus strand). VCF-style: chr2-29227647-G-C. GRCh37 (hg19) VCF-style: chr2-29450513-G-C.
Other names: short protein forms D947E.
Identifiers: ClinVar variation 2502571 (VCV002502571.1), dbSNP rs2148179382, ClinGen allele CA346468765.

ClinVar aggregate classification (germline): Uncertain significance (1 of 4 stars; one submission).

Allele frequency attached by ClinVar (database versions not stated): gnomAD exomes below 0.00001.
gnomAD v4.1: 4 of 1,614,022 alleles (0.00025%); highest among the groups gnomAD compares: Non-Finnish European, 0.00034%; no homozygotes.

Submission:

GeneDx
Classification: Uncertain significance. Last evaluated: 2022-11-21. Review status: criteria provided, single submitter. Criteria: GeneDx Variant Classification Process June 2021. Collection method: clinical testing. Allele origin: germline. Affected: yes.
Comment: Not observed at significant frequency in large population cohorts (gnomAD); In silico analysis supports that this missense variant does not alter protein structure/function; Has not been previously published as pathogenic or benign to our knowledge